The following is an entry in ClinVar:

ClinVar aggregate classification (germline): Benign/Likely benign. Review status: criteria provided, multiple submitters, no conflicts (2 of 4 stars). 3 submissions from 3 submitters: Benign (1); Likely benign (1). 1 of the submissions does not count toward it. Last evaluated 2026-01-26.

Conditions:
GUSB-related disorder. Also called: GUSB-related condition.
Mucopolysaccharidosis type 7 (MPS7). Also called: BETA-GLUCURONIDASE DEFICIENCY; MPS VII; GUSB DEFICIENCY; SLY SYNDROME. Identifiers: Orphanet 584, MedGen C0085132, MONDO:0009662, OMIM 253220.

Allele frequency attached by ClinVar (database versions not stated): gnomAD exomes 0.00019 and 0.00051; ExAC 0.00062; ESP Exome Variant Server 0.00169; gnomAD 0.00190 and 0.00197; TOPMed 0.00222; 1000 Genomes Project 0.00280; 1000 Genomes Project 30x 0.00297.
gnomAD v4.1: 576 of 1,613,842 alleles (0.036%); highest among the groups gnomAD compares: African/African-American, 0.69%; 5 homozygotes.

Submissions (3):

Labcorp Genetics (formerly Invitae), Labcorp
Classification: Benign for Mucopolysaccharidosis type 7. Last evaluated: 2026-01-26. Review status: criteria provided, single submitter. Criteria: Invitae Variant Classification Sherloc (09022015). Collection method: clinical testing. Allele origin: germline.

Mayo Clinic Laboratories, Mayo Clinic
Classification: Likely benign. Last evaluated: 2025-04-29. Review status: criteria provided, single submitter. Criteria: ACMG Guidelines, 2015. Collection method: clinical testing. Allele origin: germline. Observed: 5 variant alleles.
Comment: BP4, BP7

PreventionGenetics, part of Exact Sciences
Classification: Likely benign for GUSB-related condition. Last evaluated: 2024-08-08. Review status: no assertion criteria provided. Collection method: clinical testing. Allele origin: germline. Not counted in ClinVar's aggregate classification.
Comment: This variant is classified as likely benign based on ACMG/AMP sequence variant interpretation guidelines (Richards et al. 2015 PMID: 25741868, with internal and published modifications).

NM_000181.4(GUSB):c.1041T>C (p.Gly347=)

Gene: GUSB (glucuronidase beta; minus strand). Cytogenetic location: 7q11.21.
Variant type: single nucleotide variant.
Coding change: c.1041T>C on transcript NM_000181.4 (MANE Select); coding-DNA position 1041, T replaced by C.
Protein change: p.Gly347=; no amino-acid change (glycine 347 retained).
Molecular consequence: synonymous variant. On other transcripts: non-coding transcript variant (1).
Genome position (GRCh38, 1-based): chr7:65,974,943, A>G on the plus strand (T>C on the coding strand, the complement: GUSB is on the minus strand). VCF-style: chr7-65974943-A-G. GRCh37 (hg19) VCF-style: chr7-65439930-A-G.
Other names: p.Gly347=; c.603T>C, p.Gly201= (NM_001284290.2); c.471T>C, p.Gly157= (NM_001293104.2); c.384T>C, p.Gly128= (NM_001293105.2).
Identifiers: ClinVar variation 702263 (VCV000702263.13), dbSNP rs141303888, ClinGen allele CA4276420.